The following is an entry in ClinVar:

NM_001101362.3(KBTBD13):c.175C>G (p.Arg59Gly)

Gene: KBTBD13 (kelch repeat and BTB domain containing 13; plus strand). Cytogenetic location: 15q22.31.
Variant type: single nucleotide variant.
Coding change: c.175C>G on transcript NM_001101362.3 (MANE Select); coding-DNA position 175, C replaced by G.
Protein change: p.Arg59Gly; replaces arginine 59 with glycine.
Molecular consequence: missense variant.
Genome position (GRCh38, 1-based): chr15:65,076,990, C>G. VCF-style: chr15-65076990-C-G. GRCh37 (hg19) VCF-style: chr15-65369328-C-G.
Other names: short protein forms R59G.
Identifiers: ClinVar variation 2008416 (VCV002008416.4), dbSNP rs1406748219, ClinGen allele CA392856846.

ClinVar aggregate classification (germline): Uncertain significance (1 of 4 stars; one submission).

Conditions:
Nemaline myopathy 6 (NEM6). Also called: Nemaline myopathy 6, autosomal dominant. Identifiers: Orphanet 171439, MedGen C1836472, MONDO:0012237, OMIM 609273.

Submission:

Labcorp Genetics (formerly Invitae), Labcorp
Classification: Uncertain significance for Nemaline myopathy 6. Last evaluated: 2022-06-19. Review status: criteria provided, single submitter. Criteria: Invitae Variant Classification Sherloc (09022015). Collection method: clinical testing. Allele origin: germline.
Comment: In summary, the available evidence is currently insufficient to determine the role of this variant in disease. Therefore, it has been classified as a Variant of Uncertain Significance. Algorithms developed to predict the effect of missense changes on protein structure and function output the following: SIFT: "Tolerated"; PolyPhen-2: "Benign"; Align-GVGD: "Class C0". The glycine amino acid residue is found in multiple mammalian species, which suggests that this missense change does not adversely affect protein function. This variant has not been reported in the literature in individuals affected with KBTBD13-related conditions. This variant is not present in population databases (gnomAD no frequency). This sequence change replaces arginine, which is basic and polar, with glycine, which is neutral and non-polar, at codon 59 of the KBTBD13 protein (p.Arg59Gly).